The following is an entry in ClinVar:

ClinVar aggregate classification (germline): Pathogenic (1 of 4 stars; one submission).

Conditions:
Familial thoracic aortic aneurysm and aortic dissection (TAAD). Also called: Thoracic aortic aneurysms and dissections. Identifiers: Orphanet 91387, MedGen C4707243, MONDO:0019625.
Marfan syndrome (MFS). Also called: MARFAN SYNDROME, TYPE I; Marfan syndrome type 1; Marfan's syndrome; Marfan syndrome, classic; FBN1-Related Marfan Syndrome. Identifiers: Orphanet 284963, Orphanet 558, MedGen C0024796, MONDO:0007947, OMIM 154700.

Submission:

Labcorp Genetics (formerly Invitae), Labcorp
Classification: Pathogenic for Marfan syndrome; Familial thoracic aortic aneurysm and aortic dissection. Last evaluated: 2022-06-21. Review status: criteria provided, single submitter. Criteria: Invitae Variant Classification Sherloc (09022015). Collection method: clinical testing. Allele origin: germline.
Comment: This variant affects a cysteine residue in the EGF-like, TGFBP or hybrid motif domains of FBN1. Cysteine residues are believed to be involved in intramolecular disulfide bridges and have been shown to be important for FBN1 protein structure (PMID: 16905551, 19349279). In addition, missense substitutions affecting cysteine residues within these domains are significantly overrepresented among patients with Marfan syndrome (PMID: 16571647, 17701892). For these reasons, this variant has been classified as Pathogenic. This sequence change replaces cysteine, which is neutral and slightly polar, with serine, which is neutral and polar, at codon 2364 of the FBN1 protein (p.Cys2364Ser). This variant is not present in population databases (gnomAD no frequency). This missense change has been observed in individual(s) with Marfan syndrome (Invitae). Advanced modeling of protein sequence and biophysical properties (such as structural, functional, and spatial information, amino acid conservation, physicochemical variation, residue mobility, and thermodynamic stability) performed at Invitae indicates that this missense variant is expected to disrupt FBN1 protein function.

Literature cited by the submitters: PubMed 16905551; PubMed 19349279; PubMed 16571647; PubMed 17701892.

NM_000138.5(FBN1):c.7091G>C (p.Cys2364Ser)

Gene: FBN1 (fibrillin 1; minus strand). Cytogenetic location: 15q21.1.
Variant type: single nucleotide variant.
Coding change: c.7091G>C on transcript NM_000138.5 (MANE Select); coding-DNA position 7091, G replaced by C.
Protein change: p.Cys2364Ser; replaces cysteine 2364 with serine.
Molecular consequence: missense variant.
Genome position (GRCh38, 1-based): chr15:48,427,680, C>G on the plus strand (G>C on the coding strand, the complement: FBN1 is on the minus strand). VCF-style: chr15-48427680-C-G. GRCh37 (hg19) VCF-style: chr15-48719877-C-G.
Other names: c.7091G>C, p.Cys2364Ser (NM_001406716.1); short protein forms C2364S.
Identifiers: ClinVar variation 2008785 (VCV002008785.4), dbSNP rs1597517925, ClinGen allele CA392329891.